The following is an entry in ClinVar:

ClinVar aggregate classification (germline): Likely benign (1 of 4 stars; one submission).

Conditions:
Lynch syndrome 4 (LYNCH4). Also called: Colorectal cancer, hereditary nonpolyposis, type 4; Hereditary non-polyposis colorectal cancer, type 4. Identifiers: Orphanet 144, MedGen C1838333, MONDO:0013699, OMIM 614337. Disease mechanism: loss of function.

Submission:

Myriad Genetics, Inc.
Classification: Likely benign for Lynch syndrome 4. Last evaluated: 2025-01-23. Review status: criteria provided, single submitter. Criteria: Myriad Autosomal Dominant, Autosomal Recessive and X-Linked Classification Criteria (2023). Collection method: clinical testing. Allele origin: unknown.
Comment: This variant is considered likely benign. This variant is intronic and is not expected to impact mRNA splicing.

NM_000535.7(PMS2):c.24-17G>A

Gene: PMS2 (PMS1 homolog 2, mismatch repair system component; minus strand). Cytogenetic location: 7p22.1.
Variant type: single nucleotide variant.
Coding change: c.24-17G>A on transcript NM_000535.7 (MANE Select); 17 bases into the intron before coding-DNA position 24, G replaced by A.
Molecular consequence: intron variant.
Genome position (GRCh38, 1-based): chr7:6,006,048, C>T on the plus strand (G>A on the coding strand, the complement: PMS2 is on the minus strand). VCF-style: chr7-6006048-C-T. GRCh37 (hg19) VCF-style: chr7-6045679-C-T.
Other names: c.-52-1990G>A (NM_001322008.2); c.-218-1990G>A (NM_001406881.1); c.-189-1990G>A (NM_001406895.1); c.-242-1990G>A (NM_001406911.1, NM_001322010.2, NM_001322004.2); c.-321-1990G>A (NM_001406879.1); c.-187-22G>A (NM_001406902.1, NM_001406883.1); c.-324-22G>A (NM_001406904.1, NM_001406889.1); c.-377-22G>A (NM_001322013.2, NM_001406905.1, NM_001406906.1 and 6 more transcripts); and 12 more.
Identifiers: ClinVar variation 3903474 (VCV003903474.1).